The following is an entry in ClinVar:

NM_021076.4(NEFH):c.1965A>T (p.Pro655=)

Gene: NEFH (neurofilament heavy chain; plus strand). Cytogenetic location: 22q12.2.
Variant type: single nucleotide variant.
Coding change: c.1965A>T on transcript NM_021076.4 (MANE Select); coding-DNA position 1965, A replaced by T.
Protein change: p.Pro655=; no amino-acid change (proline 655 retained).
Molecular consequence: synonymous variant.
Genome position (GRCh38, 1-based): chr22:29,489,605, A>T. VCF-style: chr22-29489605-A-T. GRCh37 (hg19) VCF-style: chr22-29885594-A-T.
Identifiers: ClinVar variation 1253861 (VCV001253861.14), dbSNP rs79235463, ClinGen allele CA10174312.

ClinVar aggregate classification (germline): Likely benign. Review status: criteria provided, multiple submitters, no conflicts (2 of 4 stars). 5 submissions from 5 submitters: Likely benign (4). 1 of the submissions does not count toward it. Last evaluated 2026-02-03.

Conditions:
NEFH-related disorder. Also called: NEFH-related condition.

Allele frequency attached by ClinVar (database versions not stated): ExAC 0.00087; gnomAD exomes 0.00897; gnomAD 0.02399.

Submissions (5):

Labcorp Genetics (formerly Invitae), Labcorp
Classification: Likely benign. Last evaluated: 2026-02-03. Review status: criteria provided, single submitter. Criteria: Invitae Variant Classification Sherloc (09022015). Collection method: clinical testing. Allele origin: germline.

Blueprint Genetics
Classification: Likely benign. Last evaluated: 2024-10-17. Review status: criteria provided, single submitter. Criteria: ACMG Guidelines, 2015. Collection method: clinical testing. Allele origin: germline.

GeneDx
Classification: Likely benign. Last evaluated: 2021-03-06. Review status: criteria provided, single submitter. Criteria: GeneDx Variant Classification Process June 2021. Collection method: clinical testing. Allele origin: germline. Affected: yes.

Breakthrough Genomics
Classification: Likely benign. Review status: criteria provided, single submitter. Criteria: ACMG Guidelines, 2015. Collection method: not provided. Allele origin: germline. Inheritance: Autosomal recessive inheritance. Affected: yes.

PreventionGenetics, part of Exact Sciences
Classification: Likely benign for NEFH-related condition. Last evaluated: 2019-12-19. Review status: no assertion criteria provided. Collection method: clinical testing. Allele origin: germline. Not counted in ClinVar's aggregate classification.
Comment: This variant is classified as likely benign based on ACMG/AMP sequence variant interpretation guidelines (Richards et al. 2015 PMID: 25741868, with internal and published modifications).